The following is an entry in ClinVar:

ClinVar aggregate classification (germline): Likely benign (1 of 4 stars; one submission).

gnomAD v4.1: 2 of 1,445,480 alleles (0.00014%); highest among the groups gnomAD compares: Admixed American, 0.0026%; no homozygotes.

Submission:

CeGaT Center for Human Genetics Tuebingen
Classification: Likely benign. Last evaluated: 2024-08-01. Review status: criteria provided, single submitter. Criteria: CeGaT Center For Human Genetics Tuebingen Variant Classification Criteria Version 2. Collection method: clinical testing. Allele origin: germline. Affected: yes. Observed: 1 variant allele.
Comment: ACSS2: BP4, BP7

NM_018677.4(ACSS2):c.81G>A (p.Arg27=)

Genes: ACSS2 (acyl-CoA synthetase short chain family member 2; plus strand), LOC130065739 (ATAC-STARR-seq lymphoblastoid silent region 12851; plus strand). Cytogenetic location: 20q11.22.
Variant type: single nucleotide variant.
Coding change: c.81G>A on transcript NM_018677.4 (MANE Select); coding-DNA position 81, G replaced by A.
Protein change: p.Arg27=; no amino-acid change (arginine 27 retained).
Molecular consequence: synonymous variant. On other transcripts: intron variant (1).
Genome position (GRCh38, 1-based): chr20:34,876,726, G>A. VCF-style: chr20-34876726-G-A. GRCh37 (hg19) VCF-style: chr20-33464529-G-A.
Other names: c.81G>A, p.Arg27= (NM_001076552.3); c.-108+1589G>A (NM_001242393.2).
Identifiers: ClinVar variation 3341774 (VCV003341774.16).